The following is an entry in ClinVar:

NM_006469.5(IVNS1ABP):c.1903C>A (p.Pro635Thr)

Gene: IVNS1ABP (influenza virus NS1A binding protein; minus strand). Cytogenetic location: 1q25.3.
Variant type: single nucleotide variant.
Coding change: c.1903C>A on transcript NM_006469.5 (MANE Select); coding-DNA position 1903, C replaced by A.
Protein change: p.Pro635Thr; replaces proline 635 with threonine.
Molecular consequence: missense variant.
Genome position (GRCh38, 1-based): chr1:185,298,061, G>T on the plus strand (C>A on the coding strand, the complement: IVNS1ABP is on the minus strand). VCF-style: chr1-185298061-G-T. GRCh37 (hg19) VCF-style: chr1-185267193-G-T.
Other names: short protein forms P635T.
Identifiers: ClinVar variation 4987132 (VCV004987132.1).

ClinVar aggregate classification (germline): Likely benign (1 of 4 stars; one submission).

Conditions:
IVNS1ABP-related disorder. Also called: IVNS1ABP-related condition.

gnomAD v4.1: 1,489 of 1,613,450 alleles (0.092%); highest among the groups gnomAD compares: Non-Finnish European, 0.11%; 2 homozygotes.

Submission:

PreventionGenetics, part of Exact Sciences
Classification: Likely benign for IVNS1ABP-related condition. Last evaluated: 2025-12-08. Review status: criteria provided, single submitter. Criteria: ACMG Guidelines, 2015. Collection method: clinical testing. Allele origin: germline.
Comment: This variant is classified as likely benign based on ACMG/AMP sequence variant interpretation guidelines (Richards et al. 2015 PMID: 25741868, with internal and published modifications).